The following is an entry in ClinVar:

ClinVar aggregate classification (germline): Likely benign (1 of 4 stars; one submission).

Submission:

CeGaT Center for Human Genetics Tuebingen
Classification: Likely benign. Last evaluated: 2025-12-01. Review status: criteria provided, single submitter. Criteria: CeGaT Center For Human Genetics Tuebingen Variant Classification Criteria Version 2. Collection method: clinical testing. Allele origin: germline. Affected: yes. Observed: 1 variant allele.
Comment: SHANK3: BP4

NM_001372044.2(SHANK3):c.4503G>A (p.Pro1501=)

Gene: SHANK3 (SH3 and multiple ankyrin repeat domains 3; plus strand). Cytogenetic location: 22q13.33.
Variant type: single nucleotide variant.
Coding change: c.4503G>A on transcript NM_001372044.2 (MANE Select); coding-DNA position 4503, G replaced by A.
Protein change: p.Pro1501=; no amino-acid change (proline 1501 retained).
Molecular consequence: synonymous variant.
Genome position (GRCh38, 1-based): chr22:50,722,111, G>A. VCF-style: chr22-50722111-G-A. GRCh37 (hg19) VCF-style: chr22-51160539-G-A.
Identifiers: ClinVar variation 4681299 (VCV004681299.5).